The following is an entry in ClinVar:

NM_138413.4(HOGA1):c.818T>C (p.Ile273Thr)

Gene: HOGA1 (4-hydroxy-2-oxoglutarate aldolase 1; plus strand). Cytogenetic location: 10q24.2.
Variant type: single nucleotide variant.
Coding change: c.818T>C on transcript NM_138413.4 (MANE Select); coding-DNA position 818, T replaced by C.
Protein change: p.Ile273Thr; replaces isoleucine 273 with threonine.
Molecular consequence: missense variant.
Genome position (GRCh38, 1-based): chr10:97,601,974, T>C. VCF-style: chr10-97601974-T-C. GRCh37 (hg19) VCF-style: chr10-99361731-T-C.
Other names: c.329T>C, p.Ile110Thr (NM_001134670.2); short protein forms I273T, I110T.
Identifiers: ClinVar variation 1393848 (VCV001393848.5), dbSNP rs758795356, ClinGen allele CA5634250.

ClinVar aggregate classification (germline): Conflicting classifications of pathogenicity. Review status: criteria provided, conflicting classifications (1 of 4 stars). 4 submissions from 4 submitters: Likely pathogenic (2); Uncertain significance (2). Last evaluated 2025-10-28.

Conditions:
Primary hyperoxaluria type 3. Also called: PH III. Identifiers: Orphanet 416, Orphanet 93600, MedGen C3150878, MONDO:0013327, OMIM 613616. Disease mechanism: loss of function.

Allele frequency attached by ClinVar (database versions not stated): gnomAD 0.00001 and 0.00002; ExAC 0.00002; gnomAD exomes 0.00002; TOPMed 0.00002.
gnomAD v4.1: 25 of 1,612,542 alleles (0.0016%); highest among the groups gnomAD compares: Non-Finnish European, 0.0019%; no homozygotes.

Submissions (4):

Variantyx, Inc.
Classification: Likely pathogenic for Primary hyperoxaluria type 3. Last evaluated: 2025-10-28. Review status: criteria provided, single submitter. Criteria: Variantyx Assertion Criteria 2022. Collection method: clinical testing. Allele origin: germline. Inheritance: Autosomal recessive inheritance. Affected: no.
Comment: This is a nonsynonymous variant in the HOGA1 gene (OMIM: 613597). Pathogenic variants in this gene have been associated with autosomal recessive primary hyperoxaluria type III. Patient's family history is highly specific for autosomal recessive primary hyperoxaluria type III, which has a limited genetic etiology (PMID: 26401545) (PP4). This variant has been identified in the compound heterozygous state in previous internal cases (PM3). Multiple computational algorithms predict a deleterious effect for this variant (REVEL score: 0.867) (PP3). This variant has a 0.0019% maximum allele frequency in non-founder control populations (PM2). Based on the current evidence, this variant is classified as likely pathogenic for autosomal recessive primary hyperoxaluria type III.

Labcorp Genetics (formerly Invitae), Labcorp
Classification: Uncertain significance. Last evaluated: 2024-05-29. Review status: criteria provided, single submitter. Criteria: Invitae Variant Classification Sherloc (09022015). Collection method: clinical testing. Allele origin: germline.
Comment: This sequence change replaces isoleucine, which is neutral and non-polar, with threonine, which is neutral and polar, at codon 273 of the HOGA1 protein (p.Ile273Thr). This variant is present in population databases (rs758795356, gnomAD 0.005%). This variant has not been reported in the literature in individuals affected with HOGA1-related conditions. ClinVar contains an entry for this variant (Variation ID: 1393848). Advanced modeling of protein sequence and biophysical properties (such as structural, functional, and spatial information, amino acid conservation, physicochemical variation, residue mobility, and thermodynamic stability) performed at Invitae indicates that this missense variant is expected to disrupt HOGA1 protein function with a positive predictive value of 80%. In summary, the available evidence is currently insufficient to determine the role of this variant in disease. Therefore, it has been classified as a Variant of Uncertain Significance.

Rare Kidney Stone Consortium and the Mayo Clinic Hyperoxaluria Center, Mayo Clinic
Classification: Likely pathogenic for Primary hyperoxaluria type 3. Last evaluated: 2023-10-27. Review status: criteria provided, single submitter. Criteria: ACMG Guidelines, 2015. Collection method: clinical testing. Allele origin: germline. Affected: yes.
Comment: ACMG:PM1 PM2 PM3 PP3 PP4

Fulgent Genetics
Classification: Uncertain significance for Primary hyperoxaluria type 3. Last evaluated: 2021-12-23. Review status: criteria provided, single submitter. Criteria: ACMG Guidelines, 2015. Collection method: clinical testing. Allele origin: unknown.

Literature cited by the submitters: PubMed 34805638 (cited by Rare Kidney Stone Consortium and the Mayo Clinic Hyperoxaluria Center, Mayo Clinic).